The following is an entry in ClinVar:

ClinVar aggregate classification (germline): Uncertain significance (1 of 4 stars; one submission).

Conditions:
Inborn genetic diseases. Identifiers: MedGen C0950123, MeSH D030342.

Allele frequency attached by ClinVar (database versions not stated): ExAC 0.00002; ESP Exome Variant Server 0.00008; TOPMed 0.00008; gnomAD 0.00010.

Submission:

Ambry Genetics
Classification: Uncertain significance for Inborn genetic diseases. Last evaluated: 2026-09-01. Review status: criteria provided, single submitter. Criteria: Ambry Variant Classification Scheme 2023. Collection method: clinical testing. Allele origin: germline.
Comment: The c.2150C>T (p.A717V) alteration is located in exon 18 (coding exon 18) of the COG4 gene. This alteration results from a C to T substitution at nucleotide position 2150, causing the alanine (A) at amino acid position 717 to be replaced by a valine (V). Based on data from gnomAD, the T allele has an overall frequency of 0.004% (11/282302) total alleles studied. The highest observed frequency was 0.02% (5/24950) of African alleles. Based on insufficient or conflicting evidence, the clinical significance of this alteration remains unclear.

NM_015386.3(COG4):c.2150C>T (p.Ala717Val)

Gene: COG4 (component of oligomeric golgi complex 4; minus strand). Cytogenetic location: 16q22.1.
Variant type: single nucleotide variant.
Coding change: c.2150C>T on transcript NM_015386.3 (MANE Select); coding-DNA position 2150, C replaced by T.
Protein change: p.Ala717Val; replaces alanine 717 with valine.
Molecular consequence: missense variant. On other transcripts: non-coding transcript variant (1).
Genome position (GRCh38, 1-based): chr16:70,481,444, G>A on the plus strand (C>T on the coding strand, the complement: COG4 is on the minus strand). VCF-style: chr16-70481444-G-A. GRCh37 (hg19) VCF-style: chr16-70515347-G-A.
Other names: c.2075C>T, p.Ala692Val (NM_001195139.2); c.1724C>T, p.Ala575Val (NM_001365426.1); short protein forms A575V, A717V, A692V.
Identifiers: ClinVar variation 2401465 (VCV002401465.3), dbSNP rs373406697, ClinGen allele CA8144022.
Genomic context (GRCh38, chr16:70,481,444, plus strand): 5'-ATCTGGGAGAGCCGGGCAAACTTGTCTCGGATGGTCCAGGTGGTCACCGTGGTAAGGTAG[G>A]CAATGAGCGACCTCAGCTCCTTGTCAAACTGCAGACCACCCAGCTGCAGGAGAACCCAAG-3'
Protein context (NP_056201.2, residues 707-727): QFDKELRSLI[Ala717Val]YLTTVTTWTI